The following is an entry in ClinVar:

NM_000071.3(CBS):c.1227G>A (p.Trp409Ter)

Gene: CBS (cystathionine beta-synthase; minus strand). Cytogenetic location: 21q22.3.
Variant type: single nucleotide variant.
Coding change: c.1227G>A on transcript NM_000071.3 (MANE Select); coding-DNA position 1227, G replaced by A.
Protein change: p.Trp409Ter; replaces tryptophan 409 with a stop codon.
Molecular consequence: nonsense.
Genome position (GRCh38, 1-based): chr21:43,058,965, C>T on the plus strand (G>A on the coding strand, the complement: CBS is on the minus strand). VCF-style: chr21-43058965-C-T. GRCh37 (hg19) VCF-style: chr21-44479075-C-T.
Other names: c.1227G>A, p.Trp409Ter (NM_001178008.3, NM_001178009.3, NM_001320298.2); c.912G>A, p.Trp304Ter (NM_001321072.1); short protein forms W409*, W304*.
Identifiers: ClinVar variation 947601 (VCV000947601.9), dbSNP rs1332950288, ClinGen allele CA410397457.

ClinVar aggregate classification (germline): Pathogenic (1 of 4 stars; one submission).

Conditions:
HYPERHOMOCYSTEINEMIA, THROMBOTIC, CBS-RELATED. Identifiers: MedGen C3150344, OMIM 236200.

Submission:

Labcorp Genetics (formerly Invitae), Labcorp
Classification: Pathogenic for HYPERHOMOCYSTEINEMIA, THROMBOTIC, CBS-RELATED. Last evaluated: 2022-11-29. Review status: criteria provided, single submitter. Criteria: Invitae Variant Classification Sherloc (09022015). Collection method: clinical testing. Allele origin: germline.
Comment: For these reasons, this variant has been classified as Pathogenic. ClinVar contains an entry for this variant (Variation ID: 947601). This variant has not been reported in the literature in individuals affected with CBS-related conditions. This variant is not present in population databases (gnomAD no frequency). This sequence change creates a premature translational stop signal (p.Trp409*) in the CBS gene. It is expected to result in an absent or disrupted protein product. Loss-of-function variants in CBS are known to be pathogenic (PMID: 10338090, 12124992).

Literature cited by the submitters: PubMed 10338090; PubMed 12124992.